The following is an entry in ClinVar:

NM_006767.4(LZTR1):c.2284C>A (p.Gln762Lys)

Gene: LZTR1 (leucine zipper like post translational regulator 1; plus strand). Cytogenetic location: 22q11.21.
Variant type: single nucleotide variant.
Coding change: c.2284C>A on transcript NM_006767.4 (MANE Select); coding-DNA position 2284, C replaced by A.
Protein change: p.Gln762Lys; replaces glutamine 762 with lysine.
Molecular consequence: missense variant.
Genome position (GRCh38, 1-based): chr22:20,996,760, C>A. VCF-style: chr22-20996760-C-A. GRCh37 (hg19) VCF-style: chr22-21351049-C-A.
Other names: short protein forms Q762K.
Identifiers: ClinVar variation 3541665 (VCV003541665.1).
Genomic context (GRCh38, chr22:20,996,760, plus strand): 5'-TTGTTTGCGGCCCCCTACTACTACGGCTTCTACAACAACCGGCTGCAGGCGTACTGCAAG[C>A]AGAACCTGGAGATGAACGTGACGGTGCAGAACGTGCTGCAGGTAGCCCCCCAGCCCCGTG-3'
Protein context (NP_006758.2, residues 752-772): YNNRLQAYCK[Gln762Lys]NLEMNVTVQN

ClinVar aggregate classification (germline): Uncertain significance (1 of 4 stars; one submission).

Conditions:
Hereditary cancer-predisposing syndrome. Also called: Hereditary Cancer Syndrome; Hereditary neoplastic syndrome; Tumor predisposition; Neoplastic Syndromes, Hereditary. Identifiers: Orphanet 140162, MedGen C0027672, MeSH D009386, MONDO:0015356.
Cardiovascular phenotype. Identifiers: MedGen CN230736.

Submission:

Ambry Genetics
Classification: Uncertain significance for Cardiovascular phenotype; Hereditary cancer-predisposing syndrome. Last evaluated: 2024-10-15. Review status: criteria provided, single submitter. Criteria: Ambry Variant Classification Scheme 2023. Collection method: clinical testing. Allele origin: germline.
Comment: The p.Q762K variant (also known as c.2284C>A), located in coding exon 19 of the LZTR1 gene, results from a C to A substitution at nucleotide position 2284. The glutamine at codon 762 is replaced by lysine, an amino acid with similar properties. This amino acid position is conserved. In addition, the in silico prediction for this alteration is inconclusive. Based on the available evidence, the clinical significance of this variant remains unclear.